The following is an entry in ClinVar:

NM_003098.3(SNTA1):c.910C>T (p.Leu304=)

Gene: SNTA1 (syntrophin alpha 1; minus strand). Cytogenetic location: 20q11.21.
Variant type: single nucleotide variant.
Coding change: c.910C>T on transcript NM_003098.3 (MANE Select); coding-DNA position 910, C replaced by T.
Protein change: p.Leu304=; no amino-acid change (leucine 304 retained).
Molecular consequence: synonymous variant.
Genome position (GRCh38, 1-based): chr20:33,412,426, G>A on the plus strand (C>T on the coding strand, the complement: SNTA1 is on the minus strand). VCF-style: chr20-33412426-G-A. GRCh37 (hg19) VCF-style: chr20-32000232-G-A.
Identifiers: ClinVar variation 457080 (VCV000457080.13), dbSNP rs141775350, ClinGen allele CA9817095.
Genomic context (GRCh38, chr20:33,412,426, plus strand): 5'-AGAGGAGCAGTTCCTTTTCAGTTAGCAGGGCCAGGGTGGGGGCTGTGCCCCCACTGGGCA[G>A]CTGCAGAGAACAAAACAGCAGTGAGGATGGGTGGGGGAAGAGAGGGCAGAGGGCCAGGGC-3'
Protein context (NP_003089.1, residues 294-314): IKQIGWLTEQ[Leu304=]PSGGTAPTLA

ClinVar aggregate classification (germline): Conflicting classifications of pathogenicity. Review status: criteria provided, conflicting classifications (1 of 4 stars). 3 submissions from 3 submitters: Uncertain significance (1); Likely benign (2). Last evaluated 2025-11-23.

Conditions:
Cardiovascular phenotype. Identifiers: MedGen CN230736.
Long QT syndrome (LQTS). Identifiers: MedGen C0023976, MeSH D008133, MONDO:0002442. Disease mechanism: loss of function. Inheritance: Various modes of inheritance.

Allele frequency attached by ClinVar (database versions not stated): gnomAD exomes 0.00002; ExAC 0.00003; gnomAD 0.00004; TOPMed 0.00006; ESP Exome Variant Server 0.00015.

Submissions (3):

Labcorp Genetics (formerly Invitae), Labcorp
Classification: Uncertain significance for Long QT syndrome. Last evaluated: 2025-11-23. Review status: criteria provided, single submitter. Criteria: Invitae Variant Classification Sherloc (09022015). Collection method: clinical testing. Allele origin: germline.
Comment: This sequence change affects codon 304 of the SNTA1 mRNA. It is a 'silent' change, meaning that it does not change the encoded amino acid sequence of the SNTA1 protein. It affects a nucleotide within the consensus splice site. The frequency data for this variant in the population databases is considered unreliable, as metrics indicate poor data quality at this position in the gnomAD database. This variant has not been reported in the literature in individuals affected with SNTA1-related conditions. ClinVar contains an entry for this variant (Variation ID: 457080). Algorithms developed to predict the effect of sequence changes on RNA splicing suggest that this variant is not likely to affect RNA splicing. In summary, the available evidence is currently insufficient to determine the role of this variant in disease. Therefore, it has been classified as a Variant of Uncertain Significance.

Ambry Genetics
Classification: Likely benign for Cardiovascular phenotype. Last evaluated: 2024-07-02. Review status: criteria provided, single submitter. Criteria: Ambry Variant Classification Scheme 2023. Collection method: clinical testing. Allele origin: germline.

GeneDx
Classification: Likely benign. Last evaluated: 2018-01-17. Review status: criteria provided, single submitter. Criteria: GeneDx Variant Classification (06012015). Collection method: clinical testing. Allele origin: germline. Affected: yes.
Comment: This variant is considered likely benign or benign based on one or more of the following criteria: it is a conservative change, it occurs at a poorly conserved position in the protein, it is predicted to be benign by multiple in silico algorithms, and/or has population frequency not consistent with disease.